The following is an entry in ClinVar:

NM_002448.3(MSX1):c.6C>T (p.Ala2=)

Genes: MSX1 (msh homeobox 1; plus strand), LOC129992137 (ATAC-STARR-seq lymphoblastoid silent region 15219; plus strand). Cytogenetic location: 4p16.2.
Variant type: single nucleotide variant.
Coding change: c.6C>T on transcript NM_002448.3 (MANE Select); coding-DNA position 6, C replaced by T.
Protein change: p.Ala2=; no amino-acid change (alanine 2 retained).
Molecular consequence: synonymous variant.
Genome position (GRCh38, 1-based): chr4:4,859,905, C>T. VCF-style: chr4-4859905-C-T. GRCh37 (hg19) VCF-style: chr4-4861632-C-T.
Identifiers: ClinVar variation 4977372 (VCV004977372.1).

ClinVar aggregate classification (germline): Likely benign (1 of 4 stars; one submission).

Conditions:
MSX1-related disorder. Also called: MSX1-related condition.

Submission:

PreventionGenetics, part of Exact Sciences
Classification: Likely benign for MSX1-related condition. Last evaluated: 2025-09-14. Review status: criteria provided, single submitter. Criteria: ACMG Guidelines, 2015. Collection method: clinical testing. Allele origin: germline.
Comment: This variant is classified as likely benign based on ACMG/AMP sequence variant interpretation guidelines (Richards et al. 2015 PMID: 25741868, with internal and published modifications).